The following is an entry in ClinVar:

NM_000368.5(TSC1):c.2699_2700insAA (p.Leu902fs)

Gene: TSC1 (TSC complex subunit 1; minus strand). Cytogenetic location: 9q34.13.
Variant type: Insertion.
Coding change: c.2699_2700insAA on transcript NM_000368.5 (MANE Select); coding-DNA positions 2699 to 2700, AA inserted.
Protein change: p.Leu902fs; shifts the reading frame from leucine 902.
Molecular consequence: frameshift variant.
Genome position: GRCh38 VCF-style: chr9-132897536-C-CTT. GRCh37 (hg19) VCF-style: chr9-135772923-C-CTT.
Other names: c.2696_2697insAA, p.Leu901fs (NM_001162426.2); c.2546_2547insAA, p.Leu851fs (NM_001162427.2); c.2336_2337insAA, p.Leu781fs (NM_001362177.2); short protein forms L781fs, L851fs, L901fs, L902fs.
Identifiers: ClinVar variation 1197184 (VCV001197184.3), dbSNP rs2131635932, ClinGen allele CA2499219692.

ClinVar aggregate classification (germline): Likely pathogenic. Review status: criteria provided, multiple submitters, no conflicts (2 of 4 stars). 2 submissions from 2 submitters: Likely pathogenic (2). Last evaluated 2019-04-16.

Conditions:
TSC1-related disorder. Also called: TSC1-related condition.

Submissions (2):

GeneDx
Classification: Likely pathogenic. Last evaluated: 2019-04-16. Review status: criteria provided, single submitter. Criteria: GeneDx Variant Classification Process June 2021. Collection method: clinical testing. Allele origin: germline. Affected: yes.
Comment: Frameshift variant predicted to result in nonsense mediated decay in a gene for which loss-of-function is a known mechanism of disease; Not observed in large population cohorts (Lek et al., 2016); Has not been previously published as pathogenic or benign to our knowledge

Blueprint Genetics
Classification: Likely pathogenic for TSC1-related disorders. Last evaluated: 2017-07-17. Review status: criteria provided, single submitter. Criteria: ACMG Guidelines, 2015. Collection method: clinical testing. Allele origin: germline. Affected: yes. Observed: 1 variant allele.